The following is an entry in ClinVar:

ClinVar aggregate classification (germline): Uncertain significance (1 of 4 stars; one submission).

Conditions:
Leber congenital amaurosis 3 (LCA3). Also called: SPATA7-Related Retinitis Pigmentosa. Identifiers: MedGen C1858677, MONDO:0011415, OMIM 604232.

Submission:

Labcorp Genetics (formerly Invitae), Labcorp
Classification: Uncertain significance for Leber congenital amaurosis 3. Last evaluated: 2020-09-09. Review status: criteria provided, single submitter. Criteria: Invitae Variant Classification Sherloc (09022015). Collection method: clinical testing. Allele origin: germline.
Comment: This sequence change replaces arginine with glycine at codon 86 of the SPATA7 protein (p.Arg86Gly). The arginine residue is highly conserved and there is a moderate physicochemical difference between arginine and glycine. This variant is not present in population databases (ExAC no frequency). This variant has not been reported in the literature in individuals with SPATA7-related conditions. Algorithms developed to predict the effect of missense changes on protein structure and function are either unavailable or do not agree on the potential impact of this missense change (SIFT: "Deleterious"; PolyPhen-2: "Probably Damaging"; Align-GVGD: "Class C0"). In summary, the available evidence is currently insufficient to determine the role of this variant in disease. Therefore, it has been classified as a Variant of Uncertain Significance.

NM_018418.5(SPATA7):c.256A>G (p.Arg86Gly)

Gene: SPATA7 (spermatogenesis associated 7; plus strand). Cytogenetic location: 14q31.3.
Variant type: single nucleotide variant.
Coding change: c.256A>G on transcript NM_018418.5 (MANE Select); coding-DNA position 256, A replaced by G.
Protein change: p.Arg86Gly; replaces arginine 86 with glycine.
Molecular consequence: missense variant.
Genome position (GRCh38, 1-based): chr14:88,416,728, A>G. VCF-style: chr14-88416728-A-G. GRCh37 (hg19) VCF-style: chr14-88883072-A-G.
Other names: c.160A>G, p.Arg54Gly (NM_001040428.4); short protein forms R54G, R86G.
Identifiers: ClinVar variation 1058097 (VCV001058097.9), dbSNP rs2139961527, ClinGen allele CA390555921.